The following is an entry in ClinVar:

NM_000092.5(COL4A4):c.816+4A>G

Gene: COL4A4 (collagen type IV alpha 4 chain; minus strand). Cytogenetic location: 2q36.3.
Variant type: single nucleotide variant.
Coding change: c.816+4A>G on transcript NM_000092.5 (MANE Select); 4 bases into the intron after coding-DNA position 816, A replaced by G.
Molecular consequence: intron variant.
Genome position (GRCh38, 1-based): chr2:227,103,968, T>C on the plus strand (A>G on the coding strand, the complement: COL4A4 is on the minus strand). VCF-style: chr2-227103968-T-C. GRCh37 (hg19) VCF-style: chr2-227968684-T-C.
Identifiers: ClinVar variation 3585917 (VCV003585917.5).

ClinVar aggregate classification (germline): Conflicting classifications of pathogenicity. Review status: criteria provided, conflicting classifications (1 of 4 stars). 3 submissions from 3 submitters: Likely pathogenic (1); Uncertain significance (2). Last evaluated 2025-11-24.

Conditions:
Autosomal recessive Alport syndrome (ATS2). Also called: COL4A3-Related Nephropathy; COL4A4 Alport Syndrome and Thin Basement Membrane Nephropathy; ALPORT SYNDROME 2, AUTOSOMAL RECESSIVE; Alport syndrome type 2. Identifiers: Orphanet 63, Orphanet 88919, MedGen C4746745, MONDO:0008762, OMIM 203780.
Hematuria, benign familial, 1 (BFH1). Also called: THIN MEMBRANE NEPHROPATHY. Identifiers: MedGen CN376803, MONDO:0007709, OMIM 141200.

Submissions (3):

Dasa
Classification: Uncertain significance for Hematuria, benign familial, 1. Last evaluated: 2025-11-24. Review status: criteria provided, single submitter. Criteria: DASA Assertion Criteria. Collection method: clinical testing. Allele origin: germline.
Comment: NM_000092.5(COL4A4):c.816+4A>G is a splice-region variant predicted to affect normal RNA splicing. This variant is absent from population databases. Computational prediction algorithms are consistent with a deleterious effect. The currently available literature and clinical evidence are not sufficient to establish a definitive association between this variant and the reported condition. Therefore, this variant is classified as a variant of uncertain significance.

Labcorp Genetics (formerly Invitae), Labcorp
Classification: Uncertain significance. Last evaluated: 2024-06-12. Review status: criteria provided, single submitter. Criteria: Invitae Variant Classification Sherloc (09022015). Collection method: clinical testing. Allele origin: germline.
Comment: This sequence change falls in intron 13 of the COL4A4 gene. It does not directly change the encoded amino acid sequence of the COL4A4 protein. It affects a nucleotide within the consensus splice site. This variant is not present in population databases (gnomAD no frequency). This variant has not been reported in the literature in individuals affected with COL4A4-related conditions. Variants that disrupt the consensus splice site are a relatively common cause of aberrant splicing (PMID: 17576681, 9536098). Algorithms developed to predict the effect of sequence changes on RNA splicing suggest that this variant may disrupt the consensus splice site. In summary, the available evidence is currently insufficient to determine the role of this variant in disease. Therefore, it has been classified as a Variant of Uncertain Significance.

Fulgent Genetics
Classification: Likely pathogenic for Hematuria, benign familial, 1; Autosomal recessive Alport syndrome. Last evaluated: 2024-06-05. Review status: criteria provided, single submitter. Criteria: ACMG Guidelines, 2015. Collection method: clinical testing. Allele origin: germline.

Literature cited by the submitters: PubMed 17576681 (cited by Labcorp Genetics (formerly Invitae), Labcorp); PubMed 9536098 (cited by Labcorp Genetics (formerly Invitae), Labcorp).